The following is an entry in ClinVar:

ClinVar aggregate classification (germline): Uncertain significance (1 of 4 stars; one submission).

Allele frequency attached by ClinVar (database versions not stated): gnomAD exomes 0.00001; TOPMed 0.00001; gnomAD 0.00002.
gnomAD v4.1: 13 of 1,613,968 alleles (0.00081%); highest among the groups gnomAD compares: Non-Finnish European, 0.0011%; no homozygotes.

Submission:

Labcorp Genetics (formerly Invitae), Labcorp
Classification: Uncertain significance. Last evaluated: 2026-01-12. Review status: criteria provided, single submitter. Criteria: Invitae Variant Classification Sherloc (09022015). Collection method: clinical testing. Allele origin: germline.
Comment: This sequence change replaces proline, which is neutral and non-polar, with leucine, which is neutral and non-polar, at codon 465 of the MTOR protein (p.Pro465Leu). This variant is not present in population databases (gnomAD no frequency). This variant has not been reported in the literature in individuals affected with MTOR-related conditions. ClinVar contains an entry for this variant (Variation ID: 408301). Invitae Evidence Modeling of protein sequence and biophysical properties (such as structural, functional, and spatial information, amino acid conservation, physicochemical variation, residue mobility, and thermodynamic stability) indicates that this missense variant is not expected to disrupt MTOR protein function with a negative predictive value of 95%. In summary, the available evidence is currently insufficient to determine the role of this variant in disease. Therefore, it has been classified as a Variant of Uncertain Significance.

NM_004958.4(MTOR):c.1394C>T (p.Pro465Leu)

Gene: MTOR (mechanistic target of rapamycin kinase; minus strand). Cytogenetic location: 1p36.22.
Variant type: single nucleotide variant.
Coding change: c.1394C>T on transcript NM_004958.4 (MANE Select); coding-DNA position 1394, C replaced by T.
Protein change: p.Pro465Leu; replaces proline 465 with leucine.
Molecular consequence: missense variant.
Genome position (GRCh38, 1-based): chr1:11,243,132, G>A on the plus strand (C>T on the coding strand, the complement: MTOR is on the minus strand). VCF-style: chr1-11243132-G-A. GRCh37 (hg19) VCF-style: chr1-11303189-G-A.
Other names: c.1394C>T (LRG_734t1); short protein forms P465L.
Identifiers: ClinVar variation 408301 (VCV000408301.11), dbSNP rs982274920, ClinGen allele CA16609863.